The following is an entry in ClinVar:

ClinVar aggregate classification (germline): Uncertain significance (1 of 4 stars; one submission).

Conditions:
Joubert syndrome 21 (JBTS21). Identifiers: MedGen C3810212, MONDO:0014288, OMIM 615636.

Allele frequency attached by ClinVar (database versions not stated): TOPMed below 0.00001; gnomAD 0.00001; ExAC 0.00003.

Submission:

Labcorp Genetics (formerly Invitae), Labcorp
Classification: Uncertain significance for Joubert syndrome 21. Last evaluated: 2024-11-05. Review status: criteria provided, single submitter. Criteria: Invitae Variant Classification Sherloc (09022015). Collection method: clinical testing. Allele origin: germline.
Comment: This sequence change replaces proline, which is neutral and non-polar, with arginine, which is basic and polar, at codon 4 of the CSPP1 protein (p.Pro4Arg). This variant is present in population databases (rs770993498, gnomAD 0.006%). This variant has not been reported in the literature in individuals affected with CSPP1-related conditions. ClinVar contains an entry for this variant (Variation ID: 1374662). An algorithm developed to predict the effect of missense changes on protein structure and function outputs the following: PolyPhen-2: "Possibly Damaging". The arginine amino acid residue is found in multiple mammalian species, which suggests that this missense change does not adversely affect protein function. In summary, the available evidence is currently insufficient to determine the role of this variant in disease. Therefore, it has been classified as a Variant of Uncertain Significance.

NM_001382391.1(CSPP1):c.-140C>G

Gene: CSPP1 (centrosome and spindle pole associated protein 1; plus strand). Cytogenetic location: 8q13.1.
Variant type: single nucleotide variant.
Coding change: c.-140C>G on transcript NM_001382391.1 (MANE Select); 140 bases upstream of the start codon, C replaced by G.
Molecular consequence: 5 prime UTR variant. On other transcripts: missense variant (3).
Genome position (GRCh38, 1-based): chr8:67,064,409, C>G. VCF-style: chr8-67064409-C-G. GRCh37 (hg19) VCF-style: chr8-67976644-C-G.
Other names: c.-140C>G (NM_001363131.2, NM_001363132.2, NM_001363133.2); c.11C>G, p.Pro4Arg (NM_001364869.1, NM_001364870.1, NM_024790.7); short protein forms P4R.
Identifiers: ClinVar variation 1374662 (VCV001374662.4), dbSNP rs770993498, ClinGen allele CA4770040.